The following is an entry in ClinVar:

ClinVar aggregate classification (germline): Likely pathogenic (1 of 4 stars; one submission).

Submission:

Centre of Medical Genetics, University Hospital Muenster
Classification: Likely pathogenic. Last evaluated: 2022-08-02. Review status: criteria provided, single submitter. Criteria: ACMG Guidelines, 2015. Collection method: clinical testing. Allele origin: de novo. Affected: yes. Observed: 1 variant allele, 1 heterozygote.
Comment: ACMG categories: PS2,PM2

NM_001243133.2(NLRP3):c.1700A>G (p.Glu567Gly)

Gene: NLRP3 (NLR family pyrin domain containing 3; plus strand). Cytogenetic location: 1q44.
Variant type: single nucleotide variant.
Coding change: c.1700A>G on transcript NM_001243133.2 (MANE Select); coding-DNA position 1700, A replaced by G.
Protein change: p.Glu567Gly; replaces glutamic acid 567 with glycine.
Molecular consequence: missense variant.
Genome position (GRCh38, 1-based): chr1:247,425,149, A>G. VCF-style: chr1-247425149-A-G. GRCh37 (hg19) VCF-style: chr1-247588451-A-G.
Other names: c.1700A>G, p.Glu567Gly (NM_001079821.3, NM_001127461.3, NM_001127462.3 and 1 more transcripts); c.1706A>G, p.Glu569Gly (NM_004895.5); short protein forms E567G, E569G.
Identifiers: ClinVar variation 1700698 (VCV001700698.3), dbSNP rs2103112233, ClinGen allele CA345557622.